The following is an entry in ClinVar:

ClinVar aggregate classification (germline): Uncertain significance (1 of 4 stars; one submission).

gnomAD v4.1: 1 of 1,603,532 alleles (0.000062%); highest among the groups gnomAD compares: African/African-American, 0.0013%; no homozygotes.

Submission:

Greenwood Genetic Center Diagnostic Laboratories, Greenwood Genetic Center
Classification: Uncertain significance. Last evaluated: 2024-07-08. Review status: criteria provided, single submitter. Criteria: ACMG Guidelines, 2015. Collection method: clinical testing. Allele origin: germline. Affected: yes.
Comment: PM2, PP2

NM_004522.3(KIF5C):c.1600A>G (p.Ser534Gly)

Gene: KIF5C (kinesin family member 5C; plus strand). Cytogenetic location: 2q23.1.
Variant type: single nucleotide variant.
Coding change: c.1600A>G on transcript NM_004522.3 (MANE Select); coding-DNA position 1600, A replaced by G.
Protein change: p.Ser534Gly; replaces serine 534 with glycine.
Molecular consequence: missense variant. On other transcripts: non-coding transcript variant (1).
Genome position (GRCh38, 1-based): chr2:148,983,650, A>G. VCF-style: chr2-148983650-A-G. GRCh37 (hg19) VCF-style: chr2-149840164-A-G.
Other names: short protein forms S534G.
Identifiers: ClinVar variation 3765613 (VCV003765613.1).